The following is an entry in ClinVar:

ClinVar aggregate classification (germline): Conflicting classifications of pathogenicity. Review status: criteria provided, conflicting classifications (1 of 4 stars). 5 submissions from 5 submitters: Uncertain significance (1); Benign (1); Likely benign (2). 1 of the submissions does not count toward it. Last evaluated 2026-01-20.

Conditions:
MYO7A-related disorder. Also called: MYO7A-related disorders.
Usher syndrome type 1B (USH1B). Also called: Usher syndrome type IB. Identifiers: MedGen C1848638, MONDO:0700087.

Allele frequency attached by ClinVar (database versions not stated): gnomAD 0.00001; TOPMed 0.00004; gnomAD exomes 0.00008; ExAC 0.00010.
gnomAD v4.1: 122 of 1,613,846 alleles (0.0076%); highest among the groups gnomAD compares: South Asian, 0.022%; 1 homozygote.

Submissions (5):

Labcorp Genetics (formerly Invitae), Labcorp
Classification: Benign. Last evaluated: 2026-01-20. Review status: criteria provided, single submitter. Criteria: Invitae Variant Classification Sherloc (09022015). Collection method: clinical testing. Allele origin: germline.

PreventionGenetics, part of Exact Sciences
Classification: Likely benign for MYO7A-related condition. Last evaluated: 2026-01-13. Review status: criteria provided, single submitter. Criteria: ACMG Guidelines, 2015. Collection method: clinical testing. Allele origin: germline.
Comment: This variant is classified as likely benign based on ACMG/AMP sequence variant interpretation guidelines (Richards et al. 2015 PMID: 25741868, with internal and published modifications).

Blueprint Genetics
Classification: Likely benign. Last evaluated: 2024-03-19. Review status: criteria provided, single submitter. Criteria: ACMG Guidelines, 2015. Collection method: clinical testing. Allele origin: germline.

Eurofins Ntd Llc (ga)
Classification: Uncertain significance. Last evaluated: 2017-03-30. Review status: criteria provided, single submitter. Criteria: EGL Classification Definitions 2015. Collection method: clinical testing. Allele origin: germline. Observed: 1 variant allele, 1 heterozygote.

Natera, Inc.
Classification: Likely benign for Usher syndrome type 1B. Last evaluated: 2020-05-22. Review status: no assertion criteria provided. Collection method: clinical testing. Allele origin: germline. Not counted in ClinVar's aggregate classification.

NM_000260.4(MYO7A):c.1299C>T (p.Ile433=)

Gene: MYO7A (myosin VIIA; plus strand). Cytogenetic location: 11q13.5.
Variant type: single nucleotide variant.
Coding change: c.1299C>T on transcript NM_000260.4 (MANE Select); coding-DNA position 1299, C replaced by T.
Protein change: p.Ile433=; no amino-acid change (isoleucine 433 retained).
Molecular consequence: synonymous variant.
Genome position (GRCh38, 1-based): chr11:77,161,071, C>T. VCF-style: chr11-77161071-C-T. GRCh37 (hg19) VCF-style: chr11-76872117-C-T.
Other names: c.1299C>T, p.Ile433= (NM_001127180.2); c.1266C>T, p.Ile422= (NM_001369365.1).
Identifiers: ClinVar variation 500880 (VCV000500880.18), dbSNP rs782163200, ClinGen allele CA6197448.